The following is an entry in ClinVar:

ClinVar aggregate classification (germline): Likely benign (1 of 4 stars; one submission).

Submission:

CeGaT Center for Human Genetics Tuebingen
Classification: Likely benign. Last evaluated: 2025-04-01. Review status: criteria provided, single submitter. Criteria: CeGaT Center For Human Genetics Tuebingen Variant Classification Criteria Version 2. Collection method: clinical testing. Allele origin: germline. Affected: yes. Observed: 1 variant allele.
Comment: KDM6B: BP4

NM_001348716.2(KDM6B):c.1997G>A (p.Arg666Gln)

Gene: KDM6B (lysine demethylase 6B; plus strand). Cytogenetic location: 17p13.1.
Variant type: single nucleotide variant.
Coding change: c.1997G>A on transcript NM_001348716.2 (MANE Select); coding-DNA position 1997, G replaced by A.
Protein change: p.Arg666Gln; replaces arginine 666 with glutamine.
Molecular consequence: missense variant.
Genome position (GRCh38, 1-based): chr17:7,848,285, G>A. VCF-style: chr17-7848285-G-A. GRCh37 (hg19) VCF-style: chr17-7751603-G-A.
Other names: c.1997G>A, p.Arg666Gln (NM_001080424.2); short protein forms R666Q.
Identifiers: ClinVar variation 3898380 (VCV003898380.7).